The following is an entry in ClinVar:

NM_174936.4(PCSK9):c.897C>T (p.Ala299=)

Gene: PCSK9 (proprotein convertase subtilisin/kexin type 9; plus strand). Cytogenetic location: 1p32.3.
Variant type: single nucleotide variant.
Coding change: c.897C>T on transcript NM_174936.4 (MANE Select); coding-DNA position 897, C replaced by T.
Protein change: p.Ala299=; no amino-acid change (alanine 299 retained).
Molecular consequence: synonymous variant. On other transcripts: non-coding transcript variant (8).
Genome position (GRCh38, 1-based): chr1:55,056,090, C>T. VCF-style: chr1-55056090-C-T. GRCh37 (hg19) VCF-style: chr1-55521763-C-T.
Other names: c.1020C>T, p.Ala340= (NM_001407240.1); c.897C>T, p.Ala299= (NM_001407241.1, NM_001407244.1, NM_001407247.1); c.900C>T, p.Ala300= (NM_001407242.1); c.840C>T, p.Ala280= (NM_001407243.1); c.705C>T, p.Ala235= (NM_001407245.1); c.522C>T, p.Ala174= (NM_001407246.1).
Identifiers: ClinVar variation 925035 (VCV000925035.9), dbSNP rs1644711792, ClinGen allele CA417959908.
Genomic context (GRCh38, chr1:55,056,090, plus strand): 5'-TGTGGGGCCACTGGTGGTGCTGCTGCCCCTGGCGGGTGGGTACAGCCGCGTCCTCAACGC[C>T]GCCTGCCAGCGCCTGGCGAGGGCTGGGGTCGTGCTGGTCACCGCTGCCGGCAACTTCCGG-3'
Protein context (NP_777596.2, residues 289-309): LAGGYSRVLN[Ala299=]ACQRLARAGV

ClinVar aggregate classification (germline): Likely benign. Review status: criteria provided, multiple submitters, no conflicts (2 of 4 stars). 3 submissions from 3 submitters: Likely benign (3). Last evaluated 2023-12-01.

Conditions:
Familial hypercholesterolemia. Also called: Familial hypercholesterolemias; Familial hypercholesterolaemia. Identifiers: MedGen C0020445, MONDO:0005439.
Hypercholesterolemia, autosomal dominant, 3 (FHCL3). Also called: Familial hypercholesterolemia 3; Familial Hypercholesterolemia, Autosomal Dominant, 3; PCSK9-Related Familial Hypercholesterolemia, Autosomal Dominant. Identifiers: MedGen C1863551, MONDO:0011369, OMIM 603776.

Allele frequency attached by ClinVar (database versions not stated): gnomAD exomes below 0.00001.
gnomAD v4.1: 4 of 1,588,096 alleles (0.00025%); highest among the groups gnomAD compares: Middle Eastern, 0.017%; no homozygotes.

Submissions (3):

All of Us Research Program, National Institutes of Health
Classification: Likely benign for Hypercholesterolemia, autosomal dominant, 3. Last evaluated: 2023-12-01. Review status: criteria provided, single submitter. Criteria: ACMG Guidelines, 2015. Collection method: clinical testing. Allele origin: germline. Inheritance: Autosomal dominant inheritance. Observed: 2 variant alleles, 2 heterozygotes.
Comment: This study involves interpretation of variants in research participants for the purpose of population health screening. Participant phenotype was not available at the time of variant classification. Additional details can be found in publication PMID: 35346344, PMCID: PMC8962531

Labcorp Genetics (formerly Invitae), Labcorp
Classification: Likely benign for Hypercholesterolemia, autosomal dominant, 3. Last evaluated: 2022-09-03. Review status: criteria provided, single submitter. Criteria: Invitae Variant Classification Sherloc (09022015). Collection method: clinical testing. Allele origin: germline.

Color Diagnostics, LLC DBA Color Health
Classification: Likely benign for Familial hypercholesterolemia. Last evaluated: 2019-01-07. Review status: criteria provided, single submitter. Criteria: ACMG Guidelines, 2015. Collection method: clinical testing. Allele origin: germline.